The following is an entry in ClinVar:

ClinVar aggregate classification (germline): Conflicting classifications of pathogenicity. Review status: criteria provided, conflicting classifications (1 of 4 stars). 3 submissions from 3 submitters: Uncertain significance (2); Likely benign (1). Last evaluated 2024-02-06.

Conditions:
Nemaline myopathy 2 (NEM2). Also called: Nemaline myopathy 2, autosomal recessive. Identifiers: MedGen C1850569, MONDO:0009725, OMIM 256030.

Allele frequency attached by ClinVar (database versions not stated): TOPMed below 0.00001; gnomAD 0.00001; gnomAD exomes 0.00001; ExAC 0.00002.
gnomAD v4.1: 4 of 1,613,778 alleles (0.00025%); highest among the groups gnomAD compares: Admixed American, 0.0067%; no homozygotes.

Submissions (3):

Labcorp Genetics (formerly Invitae), Labcorp
Classification: Likely benign for Nemaline myopathy 2. Last evaluated: 2024-02-06. Review status: criteria provided, single submitter. Criteria: Invitae Variant Classification Sherloc (09022015). Collection method: clinical testing. Allele origin: germline.

GeneDx
Classification: Uncertain significance. Last evaluated: 2022-12-31. Review status: criteria provided, single submitter. Criteria: GeneDx Variant Classification Process June 2021. Collection method: clinical testing. Allele origin: germline. Affected: yes.
Comment: Not observed at a significant frequency in large population cohorts (gnomAD); In silico analysis supports that this missense variant has a deleterious effect on protein structure/function; Has not been previously published as pathogenic or benign to our knowledge

Blueprint Genetics
Classification: Uncertain significance. Last evaluated: 2022-07-27. Review status: criteria provided, single submitter. Criteria: ACMG Guidelines, 2015. Collection method: clinical testing. Allele origin: germline.

NM_001164508.2(NEB):c.7289T>C (p.Leu2430Ser)

Gene: NEB (nebulin; minus strand). Cytogenetic location: 2q23.3.
Variant type: single nucleotide variant.
Coding change: c.7289T>C on transcript NM_001164508.2 (MANE Select); coding-DNA position 7289, T replaced by C.
Protein change: p.Leu2430Ser; replaces leucine 2430 with serine.
Molecular consequence: missense variant.
Genome position (GRCh38, 1-based): chr2:151,650,318, A>G on the plus strand (T>C on the coding strand, the complement: NEB is on the minus strand). VCF-style: chr2-151650318-A-G. GRCh37 (hg19) VCF-style: chr2-152506832-A-G.
Other names: c.7289T>C, p.Leu2430Ser (NM_001164507.2, NM_001271208.2, NM_004543.5); short protein forms L2430S.
Identifiers: ClinVar variation 1810572 (VCV001810572.7), dbSNP rs763683012, ClinGen allele CA1909884.
Genomic context (GRCh38, chr2:151,650,318, plus strand): 5'-GGCTGACGATATTTCTTCTCACTGATGATTTCCGAAGCCCGCTTGTTCTTTTCTGCCTCT[A>G]AAGAACCCAAGGGACTCCATCCTATGCCTCTCAGCCACTCAAGGTCAGATTTATATAGAT-3'
Protein context (NP_001157980.2, residues 2420-2440): RGIGWSPLGS[Leu2430Ser]EAEKNKRASE